The following is an entry in ClinVar:

ClinVar aggregate classification (germline): Uncertain significance. Review status: criteria provided, multiple submitters, no conflicts (2 of 4 stars). 2 submissions from 2 submitters: Uncertain significance (2). Last evaluated 2025-11-18.

Conditions:
RASopathy. Also called: rasopathies; Noonan spectrum disorder. Identifiers: Orphanet 536391, MedGen C5555857, MONDO:0021060.
Cardiovascular phenotype. Identifiers: MedGen CN230736.

Allele frequency attached by ClinVar (database versions not stated): gnomAD exomes 0.00001; ExAC 0.00002.
gnomAD v4.1: 3 of 1,614,144 alleles (0.00019%); highest among the groups gnomAD compares: Admixed American, 0.005%; no homozygotes.

Submissions (2):

Labcorp Genetics (formerly Invitae), Labcorp
Classification: Uncertain significance for RASopathy. Last evaluated: 2025-11-18. Review status: criteria provided, single submitter. Criteria: Invitae Variant Classification Sherloc (09022015). Collection method: clinical testing. Allele origin: germline.
Comment: This sequence change replaces serine, which is neutral and polar, with threonine, which is neutral and polar, at codon 204 of the CBL protein (p.Ser204Thr). This variant is present in population databases (rs759082853, gnomAD 0.006%). This variant has not been reported in the literature in individuals affected with CBL-related conditions. ClinVar contains an entry for this variant (Variation ID: 1038739). Invitae Evidence Modeling of protein sequence and biophysical properties (such as structural, functional, and spatial information, amino acid conservation, physicochemical variation, residue mobility, and thermodynamic stability) indicates that this missense variant is not expected to disrupt CBL protein function with a negative predictive value of 95%. In summary, the available evidence is currently insufficient to determine the role of this variant in disease. Therefore, it has been classified as a Variant of Uncertain Significance.

Ambry Genetics
Classification: Uncertain significance for Cardiovascular phenotype. Last evaluated: 2025-02-08. Review status: criteria provided, single submitter. Criteria: Ambry Variant Classification Scheme 2023. Collection method: clinical testing. Allele origin: germline.
Comment: The p.S204T variant (also known as c.611G>C), located in coding exon 4 of the CBL gene, results from a G to C substitution at nucleotide position 611. The serine at codon 204 is replaced by threonine, an amino acid with similar properties. This amino acid position is conserved. In addition, this alteration is predicted to be tolerated by in silico analysis. Based on the available evidence, the clinical significance of this variant remains unclear.

NM_005188.4(CBL):c.611G>C (p.Ser204Thr)

Gene: CBL (Cbl proto-oncogene; plus strand). Cytogenetic location: 11q23.3.
Variant type: single nucleotide variant.
Coding change: c.611G>C on transcript NM_005188.4 (MANE Select); coding-DNA position 611, G replaced by C.
Protein change: p.Ser204Thr; replaces serine 204 with threonine.
Molecular consequence: missense variant.
Genome position (GRCh38, 1-based): chr11:119,273,888, G>C. VCF-style: chr11-119273888-G-C. GRCh37 (hg19) VCF-style: chr11-119144598-G-C.
Other names: c.611G>C (NM_005188.2); short protein forms S204T.
Identifiers: ClinVar variation 1038739 (VCV001038739.9), dbSNP rs759082853, ClinGen allele CA6318320.